The following is an entry in ClinVar:

ClinVar aggregate classification (germline): Benign/Likely benign. Review status: criteria provided, multiple submitters, no conflicts (2 of 4 stars). 5 submissions from 5 submitters: Benign (3); Likely benign (1). 1 of the submissions does not count toward it. Last evaluated 2021-08-24.

Conditions:
POF1B-related disorder. Also called: POF1B-related condition.
Premature ovarian failure 2B. Identifiers: MedGen C1845105, MONDO:0010373, OMIM 300604.

Allele frequency attached by ClinVar (database versions not stated): gnomAD exomes 0.00106 and 0.00303; ExAC 0.00386; gnomAD 0.00895 and 0.00932; ESP Exome Variant Server 0.01032; TOPMed 0.01049; 1000 Genomes Project 0.01377; 1000 Genomes Project 30x 0.01436.
gnomAD v4.1: 2,192 of 1,207,558 alleles (0.18%); highest among the groups gnomAD compares: African/African-American, 3.3%; 28 homozygotes.

Submissions (5):

Fulgent Genetics
Classification: Likely benign for Premature ovarian failure 2B. Last evaluated: 2021-08-24. Review status: criteria provided, single submitter. Criteria: ACMG Guidelines, 2015. Collection method: clinical testing. Allele origin: unknown.

Labcorp Genetics (formerly Invitae), Labcorp
Classification: Benign. Last evaluated: 2019-12-31. Review status: criteria provided, single submitter. Criteria: Invitae Variant Classification Sherloc (09022015). Collection method: clinical testing. Allele origin: germline.

Illumina Laboratory Services, Illumina
Classification: Benign for Premature ovarian failure 2B. Last evaluated: 2018-01-12. Review status: criteria provided, single submitter. Criteria: ICSL Variant Classification Criteria 13 December 2019. Collection method: clinical testing. Allele origin: germline.
Comment: This variant was observed in the ICSL laboratory as part of a predisposition screen in an ostensibly healthy population. It had not been previously curated by ICSL or reported in the Human Gene Mutation Database (HGMD: prior to June 1st, 2018), and was therefore a candidate for classification through an automated scoring system. Utilizing variant allele frequency, disease prevalence and penetrance estimates, and inheritance mode, an automated score was calculated to assess if this variant is too frequent to cause the disease. Based on the score and internal cut-off values, a variant classified as benign is not then subjected to further curation. The score for this variant resulted in a classification of benign for this disease.

Breakthrough Genomics
Classification: Benign. Review status: criteria provided, single submitter. Criteria: ACMG Guidelines, 2015. Collection method: not provided. Allele origin: germline. Inheritance: X-linked inheritance. Affected: yes.

PreventionGenetics, part of Exact Sciences
Classification: Benign for POF1B-related condition. Last evaluated: 2019-02-24. Review status: no assertion criteria provided. Collection method: clinical testing. Allele origin: germline. Not counted in ClinVar's aggregate classification.
Comment: This variant is classified as benign based on ACMG/AMP sequence variant interpretation guidelines (Richards et al. 2015 PMID: 25741868, with internal and published modifications).

NM_024921.4(POF1B):c.113A>C (p.Gln38Pro)

Gene: POF1B (POF1B actin binding protein; minus strand). Cytogenetic location: Xq21.1.
Variant type: single nucleotide variant.
Coding change: c.113A>C on transcript NM_024921.4 (MANE Select); coding-DNA position 113, A replaced by C.
Protein change: p.Gln38Pro; replaces glutamine 38 with proline.
Molecular consequence: missense variant.
Genome position (GRCh38, 1-based): chrX:85,379,342, T>G on the plus strand (A>C on the coding strand, the complement: POF1B is on the minus strand). VCF-style: chrX-85379342-T-G. GRCh37 (hg19) VCF-style: chrX-84634347-T-G.
Other names: c.113A>C, p.Gln38Pro (NM_001307940.2); short protein forms Q38P.
Identifiers: ClinVar variation 368791 (VCV000368791.13), dbSNP rs142588591, ClinGen allele CA10465244.